The following is an entry in ClinVar:

ClinVar aggregate classification (germline): Uncertain significance (1 of 4 stars; one submission).

Submission:

Women's Health and Genetics/Laboratory Corporation of America, LabCorp
Classification: Uncertain significance. Last evaluated: 2022-09-01. Review status: criteria provided, single submitter. Criteria: LabCorp Variant Classification Summary - May 2015. Collection method: clinical testing. Allele origin: germline.
Comment: Variant summary: DLL1 c.1085T>G (p.Ile362Ser) results in a non-conservative amino acid change located in the 4th EGF-like repeat domain (IPR000742) of the encoded protein sequence. Four of five in-silico tools predict a benign effect of the variant on protein function. The variant was absent in 251448 control chromosomes (gnomAD). The available data on variant occurrences in the general population are insufficient to allow any conclusion about variant significance. To our knowledge, no occurrence of c.1085T>G in individuals affected with 'Neurodevelopmental Disorder with Nonspecific Brain Abnormalities and with or without Seizures' and no experimental evidence demonstrating its impact on protein function have been reported. No clinical diagnostic laboratories have submitted clinical-significance assessments for this variant to ClinVar after 2014. Based on the evidence outlined above, the variant was classified as uncertain significance.

NM_005618.4(DLL1):c.1085T>G (p.Ile362Ser)

Gene: DLL1 (delta like canonical Notch ligand 1; minus strand). Cytogenetic location: 6q27.
Variant type: single nucleotide variant.
Coding change: c.1085T>G on transcript NM_005618.4 (MANE Select); coding-DNA position 1085, T replaced by G.
Protein change: p.Ile362Ser; replaces isoleucine 362 with serine.
Molecular consequence: missense variant.
Genome position (GRCh38, 1-based): chr6:170,285,083, A>C on the plus strand (T>G on the coding strand, the complement: DLL1 is on the minus strand). VCF-style: chr6-170285083-A-C. GRCh37 (hg19) VCF-style: chr6-170594171-A-C.
Other names: short protein forms I362S.
Identifiers: ClinVar variation 1722410 (VCV001722410.1), dbSNP rs957871110, ClinGen allele CA366508055.